The following is an entry in ClinVar:

ClinVar aggregate classification (germline): Pathogenic. Review status: criteria provided, multiple submitters, no conflicts (2 of 4 stars). 2 submissions from 2 submitters: Pathogenic (2). Last evaluated 2026-06-04.

Conditions:
Usher syndrome type 1 (USH1). Also called: RETINITIS PIGMENTOSA AND CONGENITAL DEAFNESS. Identifiers: Orphanet 231169, Orphanet 886, MedGen C1568247, MONDO:0010168, OMIM 276900.

Submissions (2):

Myriad Genetics, Inc.
Classification: Pathogenic for Usher syndrome type 1. Last evaluated: 2026-06-04. Review status: criteria provided, single submitter. Criteria: Myriad Autosomal Dominant, Autosomal Recessive and X-Linked Classification Criteria (2023). Collection method: clinical testing. Allele origin: unknown.
Comment: NM_000260.3(MYO7A):c.5208delC(K1737Rfs*68) is a frameshift variant classified as pathogenic in the context of MYO7A-related disorders. K1737Rfs*68 has not been observed in cases with relevant disease. Relevant functional assessments of this variant are not available in the literature. K1737Rfs*68 has not been observed in referenced population frequency databases. In summary, NM_000260.3(MYO7A):c.5208delC(K1737Rfs*68) is a frameshift variant in a gene where loss of function is a known mechanism of disease and is predicted to disrupt protein function. Please note: this variant was assessed in the context of healthy population screening.

Labcorp Genetics (formerly Invitae), Labcorp
Classification: Pathogenic. Last evaluated: 2023-03-27. Review status: criteria provided, single submitter. Criteria: Invitae Variant Classification Sherloc (09022015). Collection method: clinical testing. Allele origin: germline.
Comment: For these reasons, this variant has been classified as Pathogenic. This premature translational stop signal has been observed in individual(s) with Usher Syndrome 1B (PMID: 21873662). This variant is not present in population databases (gnomAD no frequency). This sequence change creates a premature translational stop signal (p.Lys1737Argfs*68) in the MYO7A gene. It is expected to result in an absent or disrupted protein product. Loss-of-function variants in MYO7A are known to be pathogenic (PMID: 8900236, 25404053).

Literature cited by the submitters: PubMed 21873662 (cited by Labcorp Genetics (formerly Invitae), Labcorp); PubMed 8900236 (cited by Labcorp Genetics (formerly Invitae), Labcorp); PubMed 25404053 (cited by Labcorp Genetics (formerly Invitae), Labcorp).

NM_000260.4(MYO7A):c.5208del (p.Lys1737fs)

Gene: MYO7A (myosin VIIA; plus strand). Cytogenetic location: 11q13.5.
Variant type: Deletion.
Coding change: c.5208del on transcript NM_000260.4 (MANE Select); coding-DNA position 5208, one base deleted (C; older notation c.5208delC).
Protein change: p.Lys1737fs; shifts the reading frame from lysine 1737.
Molecular consequence: frameshift variant.
Genome position (GRCh38, 1-based): chr11:77,203,099, C deleted; the last of 2 consecutive C bases (chr11:77,203,098-77,203,099); deleting either gives the same sequence. VCF-style (leftmost placement, unchanged base first): chr11-77203097-TC-T. GRCh37 (hg19) VCF-style: chr11-76914142-TC-T.
Other names: c.5094del, p.Lys1699fs (NM_001127180.2); c.5061del, p.Lys1688fs (NM_001369365.1); short protein forms K1688fs, K1737fs, K1699fs.
Identifiers: ClinVar variation 2850079 (VCV002850079.4), dbSNP rs111033276, ClinGen allele CA2739270708.